The following is an entry in ClinVar:

NM_000448.3(RAG1):c.187C>T (p.Pro63Ser)

Gene: RAG1 (recombination activating 1; plus strand). Cytogenetic location: 11p12.
Variant type: single nucleotide variant.
Coding change: c.187C>T on transcript NM_000448.3 (MANE Select); coding-DNA position 187, C replaced by T.
Protein change: p.Pro63Ser; replaces proline 63 with serine.
Molecular consequence: missense variant.
Genome position (GRCh38, 1-based): chr11:36,573,491, C>T. VCF-style: chr11-36573491-C-T. GRCh37 (hg19) VCF-style: chr11-36595041-C-T.
Other names: c.187C>T, p.Pro63Ser (NM_001377277.1, NM_001377278.1, NM_001377279.1 and 1 more transcripts); short protein forms P63S.
Identifiers: ClinVar variation 1439543 (VCV001439543.8), dbSNP rs1850780083, ClinGen allele CA380145828.

ClinVar aggregate classification (germline): Uncertain significance (1 of 4 stars; one submission).

Conditions:
Combined immunodeficiency with skin granulomas. Identifiers: Orphanet 157949, MedGen C2673536, MONDO:0009306, OMIM 233650.
Severe combined immunodeficiency, autosomal recessive, T cell-negative, B cell-negative, NK cell-positive. Also called: SCID, AR, T-cell negative, B-cell negative, NK cell-positive; Severe combined immunodeficiency due to complete RAG1/2 deficiency; SCID, T CELL-NEGATIVE, B CELL-NEGATIVE, NK CELL-POSITIVE. Identifiers: Orphanet 331206, MedGen C1832322, MONDO:0011086, OMIM 601457.

Allele frequency attached by ClinVar (database versions not stated): gnomAD exomes below 0.00001.
gnomAD v4.1: 3 of 1,614,210 alleles (0.00019%); highest among the groups gnomAD compares: Non-Finnish European, 0.00025%; no homozygotes.

Submission:

Labcorp Genetics (formerly Invitae), Labcorp
Classification: Uncertain significance for Combined immunodeficiency with skin granulomas; Severe combined immunodeficiency, autosomal recessive, T cell-negative, B cell-negative, NK cell-positive. Last evaluated: 2021-08-28. Review status: criteria provided, single submitter. Criteria: Invitae Variant Classification Sherloc (09022015). Collection method: clinical testing. Allele origin: germline.
Comment: This variant has not been reported in the literature in individuals with RAG1-related conditions. In summary, the available evidence is currently insufficient to determine the role of this variant in disease. Therefore, it has been classified as a Variant of Uncertain Significance. Advanced modeling of protein sequence and biophysical properties (such as structural, functional, and spatial information, amino acid conservation, physicochemical variation, residue mobility, and thermodynamic stability) performed at Invitae indicates that this missense variant is not expected to disrupt RAG1 protein function. This variant is not present in population databases (ExAC no frequency). This sequence change replaces proline with serine at codon 63 of the RAG1 protein (p.Pro63Ser). The proline residue is moderately conserved and there is a moderate physicochemical difference between proline and serine.